The following is an entry in ClinVar:

NM_016356.5(DCDC2):c.445C>T (p.Leu149Phe)

Gene: DCDC2 (doublecortin domain containing 2; minus strand). Cytogenetic location: 6p22.3.
Variant type: single nucleotide variant.
Coding change: c.445C>T on transcript NM_016356.5 (MANE Select); coding-DNA position 445, C replaced by T.
Protein change: p.Leu149Phe; replaces leucine 149 with phenylalanine.
Molecular consequence: missense variant.
Genome position (GRCh38, 1-based): chr6:24,301,827, G>A on the plus strand (C>T on the coding strand, the complement: DCDC2 is on the minus strand). VCF-style: chr6-24301827-G-A. GRCh37 (hg19) VCF-style: chr6-24302055-G-A.
Other names: c.445C>T (NM_016356.4, NM_016356.3); c.445C>T, p.Leu149Phe (NM_001195610.2); short protein forms L149F.
Identifiers: ClinVar variation 502792 (VCV000502792.16), dbSNP rs200595563, ClinGen allele CA3654753.

ClinVar aggregate classification (germline): Uncertain significance. Review status: criteria provided, multiple submitters, no conflicts (2 of 4 stars). 5 submissions from 5 submitters: Uncertain significance (5). Last evaluated 2025-07-02.

Conditions:
Isolated neonatal sclerosing cholangitis (NSC). Also called: Sclerosing cholangitis, neonatal. Identifiers: Orphanet 480556, MedGen C4479344, MONDO:0018816, OMIM 617394.
Autosomal recessive nonsyndromic hearing loss 66 (DFNB66). Also called: Deafness, autosomal recessive 66. Identifiers: Orphanet 90636, MedGen C1857750, MONDO:0012442, OMIM 610212.
Inborn genetic diseases. Identifiers: MedGen C0950123, MeSH D030342.
Nephronophthisis 19 (NPHP19). Identifiers: Orphanet 84081, MedGen C4015542, MONDO:0014537, OMIM 616217.

Allele frequency attached by ClinVar (database versions not stated): gnomAD exomes 0.00003 and 0.00001; ExAC 0.00005; gnomAD 0.00005 and 0.00007; ESP Exome Variant Server 0.00008; TOPMed 0.00009; 1000 Genomes Project 0.00060; 1000 Genomes Project 30x 0.00078.
gnomAD v4.1: 24 of 1,614,126 alleles (0.0015%); highest among the groups gnomAD compares: African/African-American, 0.028%; no homozygotes.

Submissions (5):

Ambry Genetics
Classification: Uncertain significance for Inborn genetic diseases. Last evaluated: 2025-07-02. Review status: criteria provided, single submitter. Criteria: Ambry Variant Classification Scheme 2023. Collection method: clinical testing. Allele origin: germline.

GeneDx
Classification: Uncertain significance. Last evaluated: 2024-07-09. Review status: criteria provided, single submitter. Criteria: GeneDx Variant Classification Process June 2021. Collection method: clinical testing. Allele origin: germline. Affected: yes.
Comment: In silico analysis supports that this missense variant has a deleterious effect on protein structure/function; Has not been previously published as pathogenic or benign to our knowledge

Fulgent Genetics
Classification: Uncertain significance for Autosomal recessive nonsyndromic hearing loss 66; Nephronophthisis 19; Isolated neonatal sclerosing cholangitis. Last evaluated: 2024-03-12. Review status: criteria provided, single submitter. Criteria: ACMG Guidelines, 2015. Collection method: clinical testing. Allele origin: germline.

Labcorp Genetics (formerly Invitae), Labcorp
Classification: Uncertain significance for Autosomal recessive nonsyndromic hearing loss 66; Isolated neonatal sclerosing cholangitis. Last evaluated: 2022-04-16. Review status: criteria provided, single submitter. Criteria: Invitae Variant Classification Sherloc (09022015). Collection method: clinical testing. Allele origin: germline.
Comment: This sequence change replaces leucine, which is neutral and non-polar, with phenylalanine, which is neutral and non-polar, at codon 149 of the DCDC2 protein (p.Leu149Phe). This variant is present in population databases (rs200595563, gnomAD 0.02%). This variant has not been reported in the literature in individuals affected with DCDC2-related conditions. ClinVar contains an entry for this variant (Variation ID: 502792). Algorithms developed to predict the effect of missense changes on protein structure and function are either unavailable or do not agree on the potential impact of this missense change (SIFT: "Deleterious"; PolyPhen-2: "Benign"; Align-GVGD: "Class C0"). In summary, the available evidence is currently insufficient to determine the role of this variant in disease. Therefore, it has been classified as a Variant of Uncertain Significance.

Eurofins Ntd Llc (ga)
Classification: Uncertain significance. Last evaluated: 2017-06-29. Review status: criteria provided, single submitter. Criteria: EGL Classification Definitions 2015. Collection method: clinical testing. Allele origin: germline. Observed: 1 variant allele, 1 heterozygote.